The following is an entry in ClinVar:

ClinVar aggregate classification (germline): Likely benign (0 of 4 stars; one submission).

Conditions:
CEMIP-related disorder. Also called: CEMIP-related condition.

Allele frequency attached by ClinVar (database versions not stated): ExAC 0.00002; gnomAD exomes 0.00002; gnomAD 0.00003; TOPMed 0.00003; 1000 Genomes Project 30x 0.00031; 1000 Genomes Project 0.00040.

Submission:

PreventionGenetics, part of Exact Sciences
Classification: Likely benign for CEMIP-related condition. Last evaluated: 2019-09-17. Review status: no assertion criteria provided. Collection method: clinical testing. Allele origin: germline.
Comment: This variant is classified as likely benign based on ACMG/AMP sequence variant interpretation guidelines (Richards et al. 2015 PMID: 25741868, with internal and published modifications).

NM_001293298.2(CEMIP):c.3414G>A (p.Leu1138=)

Gene: CEMIP (cell migration inducing hyaluronidase 1; plus strand). Cytogenetic location: 15q25.1.
Variant type: single nucleotide variant.
Coding change: c.3414G>A on transcript NM_001293298.2 (MANE Select); coding-DNA position 3414, G replaced by A.
Protein change: p.Leu1138=; no amino-acid change (leucine 1138 retained).
Molecular consequence: synonymous variant.
Genome position (GRCh38, 1-based): chr15:80,941,855, G>A. VCF-style: chr15-80941855-G-A. GRCh37 (hg19) VCF-style: chr15-81234196-G-A.
Other names: c.3414G>A, p.Leu1138= (NM_001293304.2, NM_018689.3).
Identifiers: ClinVar variation 3040197 (VCV003040197.2), dbSNP rs141280107, ClinGen allele CA7693585.
Genomic context (GRCh38, chr15:80,941,855, plus strand): 5'-AAGAGGGAGGTTTGAGTGTCCAAGCAAATGCCCAGCAATGCTCCTTGTGTGCAGGCTGTT[G>A]TTCCTGAAGCTGAAAGCTCAGAACGAGAGAGAGAAGTTTGCTTTCTGCTCCATGAAAGGC-3'
Protein context (NP_001280227.1, residues 1128-1148): HYYWDEDSGL[Leu1138=]FLKLKAQNER